The following is an entry in ClinVar:

NM_015512.5(DNAH1):c.10279G>T (p.Ala3427Ser)

Gene: DNAH1 (dynein axonemal heavy chain 1; plus strand). Cytogenetic location: 3p21.1.
Variant type: single nucleotide variant.
Coding change: c.10279G>T on transcript NM_015512.5 (MANE Select); coding-DNA position 10279, G replaced by T.
Protein change: p.Ala3427Ser; replaces alanine 3427 with serine.
Molecular consequence: missense variant.
Genome position (GRCh38, 1-based): chr3:52,392,830, G>T. VCF-style: chr3-52392830-G-T. GRCh37 (hg19) VCF-style: chr3-52426846-G-T.
Other names: short protein forms A3427S.
Identifiers: ClinVar variation 853693 (VCV000853693.7), dbSNP rs200093731, ClinGen allele CA2435793.

ClinVar aggregate classification (germline): Uncertain significance. Review status: criteria provided, multiple submitters, no conflicts (2 of 4 stars). 2 submissions from 2 submitters: Uncertain significance (2). Last evaluated 2023-05-31.

Conditions:
Spermatogenic failure 18. Identifiers: MedGen C4539783, MONDO:0054615, OMIM 617576.
Ciliary dyskinesia, primary, 37 (CILD37). Also called: CILIARY DYSKINESIA, PRIMARY, 37, WITH OR WITHOUT SITUS INVERSUS. Identifiers: MedGen C4539798, MONDO:0033204, OMIM 617577.

Allele frequency attached by ClinVar (database versions not stated): gnomAD 0.00002; ExAC 0.00007; gnomAD exomes 0.00008 and 0.00011; ESP Exome Variant Server 0.00016.
gnomAD v4.1: 161 of 1,532,458 alleles (0.011%); highest among the groups gnomAD compares: Non-Finnish European, 0.013%; no homozygotes.

Submissions (2):

Ambry Genetics
Classification: Uncertain significance. Last evaluated: 2023-05-31. Review status: criteria provided, single submitter. Criteria: Ambry Variant Classification Scheme 2023. Collection method: clinical testing. Allele origin: germline.

Labcorp Genetics (formerly Invitae), Labcorp
Classification: Uncertain significance for Ciliary dyskinesia, primary, 37; Spermatogenic failure 18. Last evaluated: 2022-12-16. Review status: criteria provided, single submitter. Criteria: Invitae Variant Classification Sherloc (09022015). Collection method: clinical testing. Allele origin: germline.
Comment: In summary, the available evidence is currently insufficient to determine the role of this variant in disease. Therefore, it has been classified as a Variant of Uncertain Significance. Algorithms developed to predict the effect of missense changes on protein structure and function are either unavailable or do not agree on the potential impact of this missense change (SIFT: "Deleterious"; PolyPhen-2: "Benign"; Align-GVGD: "Class C0"). ClinVar contains an entry for this variant (Variation ID: 853693). This variant has not been reported in the literature in individuals affected with DNAH1-related conditions. This variant is present in population databases (rs200093731, gnomAD 0.02%). This sequence change replaces alanine, which is neutral and non-polar, with serine, which is neutral and polar, at codon 3427 of the DNAH1 protein (p.Ala3427Ser).